The following is an entry in ClinVar:

NM_003805.5(CRADD):c.43G>A (p.Glu15Lys)

Gene: CRADD (CARD and death domain containing adaptor protein; plus strand). Cytogenetic location: 12q22.
Variant type: single nucleotide variant.
Coding change: c.43G>A on transcript NM_003805.5 (MANE Select); coding-DNA position 43, G replaced by A.
Protein change: p.Glu15Lys; replaces glutamic acid 15 with lysine.
Molecular consequence: missense variant. On other transcripts: non-coding transcript variant (1).
Genome position (GRCh38, 1-based): chr12:93,678,817, G>A. VCF-style: chr12-93678817-G-A. GRCh37 (hg19) VCF-style: chr12-94072593-G-A.
Other names: c.43G>A, p.Glu15Lys (NM_001320099.2, NM_001320100.2, NM_001320101.3 and 1 more transcripts); c.43G>A (NM_003805.3); short protein forms E15K.
Identifiers: ClinVar variation 2192965 (VCV002192965.3), dbSNP rs150059138, ClinGen allele CA6720102.

ClinVar aggregate classification (germline): Uncertain significance. Review status: criteria provided, multiple submitters, no conflicts (2 of 4 stars). 2 submissions from 2 submitters: Uncertain significance (2). Last evaluated 2025-04-12.

Conditions:
Inborn genetic diseases. Identifiers: MedGen C0950123, MeSH D030342.

Allele frequency attached by ClinVar (database versions not stated): 1000 Genomes Project 30x 0.00031; 1000 Genomes Project 0.00040; ESP Exome Variant Server 0.00015; ExAC 0.00006.
gnomAD v4.1: 27 of 1,614,152 alleles (0.0017%); highest among the groups gnomAD compares: African/African-American, 0.036%; no homozygotes.

Submissions (2):

Ambry Genetics
Classification: Uncertain significance for Inborn genetic diseases. Last evaluated: 2025-04-12. Review status: criteria provided, single submitter. Criteria: Ambry Variant Classification Scheme 2023. Collection method: clinical testing. Allele origin: germline.

Labcorp Genetics (formerly Invitae), Labcorp
Classification: Uncertain significance. Last evaluated: 2023-10-03. Review status: criteria provided, single submitter. Criteria: Invitae Variant Classification Sherloc (09022015). Collection method: clinical testing. Allele origin: germline.
Comment: This sequence change replaces glutamic acid, which is acidic and polar, with lysine, which is basic and polar, at codon 15 of the CRADD protein (p.Glu15Lys). This variant is present in population databases (rs150059138, gnomAD 0.05%). This variant has not been reported in the literature in individuals affected with CRADD-related conditions. ClinVar contains an entry for this variant (Variation ID: 2192965). An algorithm developed to predict the effect of missense changes on protein structure and function (PolyPhen-2) suggests that this variant is likely to be disruptive. In summary, the available evidence is currently insufficient to determine the role of this variant in disease. Therefore, it has been classified as a Variant of Uncertain Significance.